The following is an entry in ClinVar:

ClinVar aggregate classification (germline): Uncertain significance. Review status: criteria provided, multiple submitters, no conflicts (2 of 4 stars). 2 submissions from 2 submitters: Uncertain significance (2). Last evaluated 2025-08-21.

Allele frequency attached by ClinVar (database versions not stated): TOPMed 0.00001; gnomAD 0.00002; ExAC 0.00005; 1000 Genomes Project 0.00020; 1000 Genomes Project 30x 0.00031.
gnomAD v4.1: 41 of 1,553,732 alleles (0.0026%); highest among the groups gnomAD compares: Admixed American, 0.0097%; 1 homozygote.

Submissions (2):

Ambry Genetics
Classification: Uncertain significance. Last evaluated: 2025-08-21. Review status: criteria provided, single submitter. Criteria: Ambry Variant Classification Scheme 2023. Collection method: clinical testing. Allele origin: germline.

Labcorp Genetics (formerly Invitae), Labcorp
Classification: Uncertain significance. Last evaluated: 2023-07-17. Review status: criteria provided, single submitter. Criteria: Invitae Variant Classification Sherloc (09022015). Collection method: clinical testing. Allele origin: germline.
Comment: In summary, the available evidence is currently insufficient to determine the role of this variant in disease. Therefore, it has been classified as a Variant of Uncertain Significance. An algorithm developed to predict the effect of missense changes on protein structure and function (PolyPhen-2) suggests that this variant is likely to be tolerated. ClinVar contains an entry for this variant (Variation ID: 1915573). This variant has not been reported in the literature in individuals affected with DGKZ-related conditions. The frequency data for this variant in the population databases is considered unreliable, as metrics indicate poor data quality at this position in the gnomAD database. This sequence change replaces arginine, which is basic and polar, with histidine, which is basic and polar, at codon 157 of the DGKZ protein (p.Arg157His).

NM_001199267.2(DGKZ):c.162-565G>A

Gene: DGKZ (diacylglycerol kinase zeta; plus strand). Cytogenetic location: 11p11.2.
Variant type: single nucleotide variant.
Coding change: c.162-565G>A on transcript NM_001199267.2 (MANE Select); 565 bases into the intron before coding-DNA position 162, G replaced by A.
Molecular consequence: intron variant. On other transcripts: missense variant (1).
Genome position (GRCh38, 1-based): chr11:46,366,726, G>A. VCF-style: chr11-46366726-G-A. GRCh37 (hg19) VCF-style: chr11-46388276-G-A.
Other names: c.470G>A, p.Arg157His (NM_001105540.2); c.213-565G>A (NM_201532.3); c.177-565G>A (NM_201533.3); c.162-565G>A (NM_001199266.2, NM_003646.4, NM_001199268.2); c.470G>A (NM_001105540.1); short protein forms R157H.
Identifiers: ClinVar variation 1915573 (VCV001915573.6), dbSNP rs577494020, ClinGen allele CA5962167.
Genomic context (GRCh38, chr11:46,366,726, plus strand): 5'-GCACCAAGACACCAGGGCCACCCCCACCTCGGGGCGCCCAGCCGCTGTTGCCCCTACCCC[G>A]CTACCTGCGCCGAGCCTCCTCCCACCTGCTCCCCGCGGATGCCGTATATGACCACGCTCT-3'